The following is an entry in ClinVar:

NM_006767.4(LZTR1):c.2317G>A (p.Val773Met)

Gene: LZTR1 (leucine zipper like post translational regulator 1; plus strand). Cytogenetic location: 22q11.21.
Variant type: single nucleotide variant.
Coding change: c.2317G>A on transcript NM_006767.4 (MANE Select); coding-DNA position 2317, G replaced by A.
Protein change: p.Val773Met; replaces valine 773 with methionine.
Molecular consequence: missense variant.
Genome position (GRCh38, 1-based): chr22:20,996,793, G>A. VCF-style: chr22-20996793-G-A. GRCh37 (hg19) VCF-style: chr22-21351082-G-A.
Other names: short protein forms V773M.
Identifiers: ClinVar variation 992477 (VCV000992477.23), dbSNP rs199586863, ClinGen allele CA10119341.

ClinVar aggregate classification (germline): Conflicting classifications of pathogenicity. Review status: criteria provided, conflicting classifications (1 of 4 stars). 12 submissions from 12 submitters: Likely pathogenic (1); Uncertain significance (10). 1 of the submissions does not count toward it. Last evaluated 2026-08-25.

Conditions:
Cardiovascular phenotype. Identifiers: MedGen CN230736.
Hereditary cancer-predisposing syndrome. Also called: Hereditary Cancer Syndrome; Tumor predisposition; Neoplastic Syndromes, Hereditary; Hereditary neoplastic syndrome. Identifiers: Orphanet 140162, MedGen C0027672, MeSH D009386, MONDO:0015356.
Noonan syndrome 2 (NS2). Identifiers: Orphanet 648, MedGen C1854469, MONDO:0011531, OMIM 605275.
LZTR1-related disorder. Also called: LZTR1-related disorders; LZTR1-related condition.
LZTR1-related schwannomatosis. Also called: Schwannomatosis-2, susceptibility to; Schwannomatosis 2. Identifiers: Orphanet 93921, MedGen C3810283, MONDO:0014299, OMIM 615670.
Hypertrophic cardiomyopathy. Also called: HYPERTROPHIC MYOCARDIOPATHY. Identifiers: Orphanet 217569, MedGen C0007194, MeSH D002312, MONDO:0005045, HP:0001639.

Allele frequency attached by ClinVar (database versions not stated): ExAC 0.00003; gnomAD 0.00005 and 0.00004; TOPMed 0.00005; 1000 Genomes Project 30x 0.00016; gnomAD exomes 0.00003.
gnomAD v4.1: 52 of 1,613,632 alleles (0.0032%); highest among the groups gnomAD compares: South Asian, 0.0066%; no homozygotes.

Submissions (12):

MVZ Martinsried, Medicover Genetics
Classification: Uncertain significance for Hypertrophic cardiomyopathy. Last evaluated: 2026-08-25. Review status: criteria provided, single submitter. Criteria: ClinGen Variant Curation SOP V3.2 + Classification Guidance July2025. Collection method: clinical testing. Allele origin: unknown. Affected: yes. Observed: 1 heterozygote.

Labcorp Genetics (formerly Invitae), Labcorp
Classification: Uncertain significance. Last evaluated: 2025-12-29. Review status: criteria provided, single submitter. Criteria: Invitae Variant Classification Sherloc (09022015). Collection method: clinical testing. Allele origin: germline.
Comment: This sequence change replaces valine, which is neutral and non-polar, with methionine, which is neutral and non-polar, at codon 773 of the LZTR1 protein (p.Val773Met). The frequency data for this variant in the population databases is considered unreliable, as metrics indicate poor data quality at this position in the gnomAD database. This missense change has been observed in individual(s) with clinical features of LZTR1-related conditions (PMID: 28749478, 34645488, 35726512, 39140257). ClinVar contains an entry for this variant (Variation ID: 992477). Invitae Evidence Modeling of protein sequence and biophysical properties (such as structural, functional, and spatial information, amino acid conservation, physicochemical variation, residue mobility, and thermodynamic stability) indicates that this missense variant is not expected to disrupt LZTR1 protein function with a negative predictive value of 80%. In summary, the available evidence is currently insufficient to determine the role of this variant in disease. Therefore, it has been classified as a Variant of Uncertain Significance.

3billion
Classification: Uncertain significance for Noonan syndrome 2. Last evaluated: 2025-11-21. Review status: criteria provided, single submitter. Criteria: ACMG Guidelines, 2015. Collection method: clinical testing. Allele origin: germline. Affected: yes.
Comment: The variant is observed at an extremely low frequency in the gnomAD v4.1.0 dataset (total allele frequency: 0.003%). Predicted Consequence/Location: Missense variant In silico tool predictions suggest damaging effect of the variant on gene or gene product [REVEL: 0.67 (>=0.6, sensitivity 0.68 and specificity 0.92)]. The variant has been reported as of uncertain significance (ClinVar ID: VCV000992477; PMID: 28749478; 3billion dataset). Different missense changes at the same codon have been reported as of uncertain significance (ClinVar ID: VCV002835704, VCV001789519, VCV003238231, VCV003026394). Therefore, this variant is classified as VUS according to the recommendation of ACMG/AMP guideline.

Ambry Genetics
Classification: Uncertain significance for Cardiovascular phenotype; Hereditary cancer-predisposing syndrome. Last evaluated: 2025-04-21. Review status: criteria provided, single submitter. Criteria: Ambry Variant Classification Scheme 2023. Collection method: clinical testing. Allele origin: germline.
Comment: The p.V773M variant (also known as c.2317G>A), located in coding exon 19 of the LZTR1 gene, results from a G to A substitution at nucleotide position 2317. The valine at codon 773 is replaced by methionine, an amino acid with highly similar properties. This variant has been identified in the homozygous state in a fetus with nonimmune hydrops fetalis (Shamseldin HE et al. Genet Med, 2018 04;20:420-427; Shamseldin HE et al. Genome Med, 2021 Oct;13:161). It has also been confirmed in trans with a LZTR1 likely pathogenic variant in a fetus with skin edema and a cystic hygroma (Zhu X et al. Ultrasound Obstet Gynecol, 2022 Dec;60:780-792). One patient with suggested Nijmegen breakage syndrome was found to be heterozygous for this variant and had the following clinical features: brachycephaly, celiac disease, fair hair, hypothyroidism, microcephaly, developmental delay, and type 1 diabetes mellitus (Pagnamenta AT et al. Clin Genet, 2019 06;95:693-703). This amino acid position is highly conserved in available vertebrate species. In addition, this alteration is predicted to be deleterious by in silico analysis. Based on the available evidence, the clinical significance of this variant remains unclear.

GeneDx
Classification: Uncertain significance. Last evaluated: 2025-03-14. Review status: criteria provided, single submitter. Criteria: GeneDx Variant Classification Process June 2021. Collection method: clinical testing. Allele origin: germline. Affected: yes.
Comment: Observed in the apparent homozygous state in a fetus with nonimmune hydrops fetalis (PMID: 28749478); In silico analysis indicates that this missense variant does not alter protein structure/function; This variant is associated with the following publications: (PMID: 29469822, 34645488, 30859559, 35726512, 28749478, 37644014)

Victorian Clinical Genetics Services, Murdoch Childrens Research Institute
Classification: Uncertain significance for Noonan syndrome 2. Last evaluated: 2024-10-08. Review status: criteria provided, single submitter. Criteria: ACMG Guidelines, 2015. Collection method: clinical testing. Allele origin: germline. Inheritance: Autosomal recessive inheritance. Affected: yes.
Comment: Based on the classification scheme VCGS_Germline_v1.3.4, this variant is classified as VUS-3B. Following criteria are met: 0102 - Loss of function is a known mechanism of disease in this gene and is associated with autosomal recessive Noonan syndrome 2 (MIM#605275); dominant negative is the mechanism suspected for autosomal dominant Noonan syndrome 10 (MIM#616564) (ClinGen). (I) 0108 - This gene is associated with both recessive and dominant disease. (I) 0200 - Variant is predicted to result in a missense amino acid change from valine to methionine. (I) 0251 - This variant is heterozygous. (I) 0304 - Variant is present in gnomAD (v2) <0.01 (8 heterozygotes, 0 homozygotes). (SP) 0502 - Missense variant with conflicting in silico predictions and high conservation. (I) 0604 - Variant is not located in an established domain, motif, hotspot or informative constraint region. (I) 0705 - No comparable missense variants have previous evidence for pathogenicity. (I) 0809 - Previous evidence of pathogenicity for this variant is inconclusive. This variant has been classified as a VUS by multiple clinical laboratories in ClinVar. This variant has also been identified as homozygous in a fetus with non-immune hydrops fetalis (PMID: 28749478), and heterozygous in an individual with suggested Nijmegen breakage syndrome (PMID: 30859559). (I) 0905 - No published segregation evidence has been identified for this variant. (I) 1007 - No published functional evidence has been identified for this variant. (I) Legend: (SP) - Supporting pathogenic, (I) - Information, (SB) - Supporting benign

Genomic Medicine Center of Excellence, King Faisal Specialist Hospital and Research Centre
Classification: Likely pathogenic for Schwannomatosis-2, susceptibility to. Last evaluated: 2024-03-14. Review status: criteria provided, single submitter. Criteria: ACMG Guidelines, 2015. Collection method: clinical testing. Allele origin: germline.

Baylor Genetics
Classification: Uncertain significance for LZTR1-related schwannomatosis. Last evaluated: 2023-09-21. Review status: criteria provided, single submitter. Criteria: ACMG Guidelines, 2015. Collection method: clinical testing. Allele origin: unknown.

Revvity Omics, Revvity
Classification: Uncertain significance. Last evaluated: 2022-02-13. Review status: criteria provided, single submitter. Criteria: ACMG Guidelines, 2015. Collection method: clinical testing. Allele origin: germline.

Women's Health and Genetics/Laboratory Corporation of America, LabCorp
Classification: Uncertain significance. Last evaluated: 2020-12-21. Review status: criteria provided, single submitter. Criteria: LabCorp Variant Classification Summary - May 2015. Collection method: clinical testing. Allele origin: germline.
Comment: Variant summary: LZTR1 c.2317G>A (p.Val773Met) results in a conservative amino acid change in the encoded protein sequence. Four of five in-silico tools predict a damaging effect of the variant on protein function. The variant allele was found at a frequency of 2.8e-05 in 251034 control chromosomes (gnomAD). The available data on variant occurrences in the general population are insufficient to allow any conclusion about variant significance. c.2317G>A has been reported in the literature in a homozygous fetus with nonimmune hydrops fetalis (Shamseldin_2018) and a heterozygous individual with suggested Nijmegen breakage syndrome (Pagnamenta_2019). These reports do not provide unequivocal conclusions about association of the variant with Noonan Syndrome. To our knowledge, no experimental evidence demonstrating an impact on protein function has been reported. No clinical diagnostic laboratories have submitted clinical-significance assessments for this variant to ClinVar after 2014. Based on the evidence outlined above, the variant was classified as uncertain significance.

Breakthrough Genomics
Classification: Uncertain significance. Review status: criteria provided, single submitter. Criteria: ACMG Guidelines, 2015. Collection method: not provided. Allele origin: germline. Inheritance: Autosomal dominant inheritance. Affected: yes.

PreventionGenetics, part of Exact Sciences
Classification: Uncertain significance for LZTR1-related condition. Last evaluated: 2024-03-06. Review status: no assertion criteria provided. Collection method: clinical testing. Allele origin: germline. Not counted in ClinVar's aggregate classification.
Comment: The LZTR1 c.2317G>A variant is predicted to result in the amino acid substitution p.Val773Met. This variant has been reported in the homozygous or compound heterozygous states in two individuals with nonimmune hydrops fetalis or Noonan syndrome 2 (Table 1, Shamseldin et al. 2018. PubMed ID: 28749478; Table 2, Zhu et al. 2022. PubMed ID: 35726512). This variant has also been reported in an individual with Nijmegen breakage syndrome (Table S3, Pagnamenta et al. 2019. PubMed ID: 30859559). This variant is reported in 0.0057% of alleles in individuals of Latino descent in gnomAD and it is classified as uncertain by other institutions in the ClinVar database. At this time, the clinical significance of this variant is uncertain due to the absence of conclusive functional and genetic evidence.

Literature cited by the submitters: PubMed 28749478 (cited by 4 submitters); PubMed 34645488 (cited by Labcorp Genetics (formerly Invitae), Labcorp and Ambry Genetics); PubMed 35726512 (cited by Labcorp Genetics (formerly Invitae), Labcorp and Ambry Genetics); PubMed 39140257 (cited by Labcorp Genetics (formerly Invitae), Labcorp); PubMed 30859559 (cited by 3 submitters).